The following is an entry in ClinVar:

NM_003482.4(KMT2D):c.6607A>G (p.Thr2203Ala)

Gene: KMT2D (lysine methyltransferase 2D; minus strand). Cytogenetic location: 12q13.12.
Variant type: single nucleotide variant.
Coding change: c.6607A>G on transcript NM_003482.4 (MANE Select); coding-DNA position 6607, A replaced by G.
Protein change: p.Thr2203Ala; replaces threonine 2203 with alanine.
Molecular consequence: missense variant.
Genome position (GRCh38, 1-based): chr12:49,041,163, T>C on the plus strand (A>G on the coding strand, the complement: KMT2D is on the minus strand). VCF-style: chr12-49041163-T-C. GRCh37 (hg19) VCF-style: chr12-49434946-T-C.
Other names: short protein forms T2203A.
Identifiers: ClinVar variation 3574782 (VCV003574782.2).
Genomic context (GRCh38, chr12:49,041,163, plus strand): 5'-GCTGGCCAGCCCCAGGACGAGATGAGGCGCCCAGCATCGGGGGCTGCGCAGGGGCCCCCG[T>C]AGGACTAGGATAGGGGGGATAGGTGGGCGGTGCCGTGGGGAAGCGGGGCTCCAGGGGATA-3'
Protein context (NP_003473.3, residues 2193-2213): PPTYPPYPSP[Thr2203Ala]GAPAQPPMLG

ClinVar aggregate classification (germline): Uncertain significance. Review status: criteria provided, multiple submitters, no conflicts (2 of 4 stars). 2 submissions from 2 submitters: Uncertain significance (2). Last evaluated 2025-12-09.

Conditions:
Choanal atresia-athelia-hypothyroidism-delayed puberty-short stature syndrome (BCAHH). Also called: BRANCHIAL ARCH ABNORMALITIES, CHOANAL ATRESIA, ATHELIA, HEARING LOSS, AND HYPOTHYROIDISM SYNDROME. Identifiers: Orphanet 589856, MedGen C5680310, MONDO:0035651, OMIM 620186.
Kabuki syndrome 1 (KABUK1). Also called: KMT2D-Related Kabuki Syndrome. Identifiers: Orphanet 2322, MedGen CN030661, MONDO:0007843, OMIM 147920.
Kabuki syndrome. Also called: NIIKAWA-KUROKI SYNDROME; Kabuki make-up syndrome. Identifiers: Orphanet 2322, MedGen C0796004, MONDO:0016512.

gnomAD v4.1: 20 of 1,520,136 alleles (0.0013%); highest among the groups gnomAD compares: Non-Finnish European, 0.0018%; no homozygotes.

Submissions (2):

Labcorp Genetics (formerly Invitae), Labcorp
Classification: Uncertain significance for Kabuki syndrome. Last evaluated: 2025-12-09. Review status: criteria provided, single submitter. Criteria: Invitae Variant Classification Sherloc (09022015). Collection method: clinical testing. Allele origin: germline.
Comment: This sequence change replaces threonine, which is neutral and polar, with alanine, which is neutral and non-polar, at codon 2203 of the KMT2D protein (p.Thr2203Ala). This variant is not present in population databases (gnomAD no frequency). This variant has not been reported in the literature in individuals affected with KMT2D-related conditions. ClinVar contains an entry for this variant (Variation ID: 3574782). Invitae Evidence Modeling of protein sequence and biophysical properties (such as structural, functional, and spatial information, amino acid conservation, physicochemical variation, residue mobility, and thermodynamic stability) indicates that this missense variant is not expected to disrupt KMT2D protein function with a negative predictive value of 95%. In summary, the available evidence is currently insufficient to determine the role of this variant in disease. Therefore, it has been classified as a Variant of Uncertain Significance.

Fulgent Genetics
Classification: Uncertain significance for Kabuki syndrome 1; Choanal atresia-athelia-hypothyroidism-delayed puberty-short stature syndrome. Last evaluated: 2024-02-07. Review status: criteria provided, single submitter. Criteria: ACMG Guidelines, 2015. Collection method: clinical testing. Allele origin: germline.